The following is an entry in ClinVar:

ClinVar aggregate classification (germline): Uncertain significance (1 of 4 stars; one submission).

Conditions:
Inborn genetic diseases. Identifiers: MedGen C0950123, MeSH D030342.

Submission:

Ambry Genetics
Classification: Uncertain significance for Inborn genetic diseases. Last evaluated: 2025-08-31. Review status: criteria provided, single submitter. Criteria: Ambry Variant Classification Scheme 2023. Collection method: clinical testing. Allele origin: germline.
Comment: The p.L292V variant (also known as c.874C>G), located in coding exon 9 of the DDX41 gene, results from a C to G substitution at nucleotide position 874. The leucine at codon 292 is replaced by valine, an amino acid with highly similar properties. This amino acid position is conserved. In addition, this alteration is predicted to be tolerated by in silico analysis. Based on the available evidence, the clinical significance of this variant remains unclear.

NM_016222.4(DDX41):c.874C>G (p.Leu292Val)

Gene: DDX41 (DEAD-box helicase 41; minus strand). Cytogenetic location: 5q35.3.
Variant type: single nucleotide variant.
Coding change: c.874C>G on transcript NM_016222.4 (MANE Select); coding-DNA position 874, C replaced by G.
Protein change: p.Leu292Val; replaces leucine 292 with valine.
Molecular consequence: missense variant.
Genome position (GRCh38, 1-based): chr5:177,514,762, G>C on the plus strand (C>G on the coding strand, the complement: DDX41 is on the minus strand). VCF-style: chr5-177514762-G-C. GRCh37 (hg19) VCF-style: chr5-176941763-G-C.
Other names: c.496C>G, p.Leu166Val (NM_001321732.2, NM_001321830.2); short protein forms L166V, L292V.
Identifiers: ClinVar variation 4238824 (VCV004238824.1).